The following is an entry in ClinVar:

ClinVar aggregate classification (germline): Uncertain significance. Review status: criteria provided, multiple submitters, no conflicts (2 of 4 stars). 2 submissions from 2 submitters: Uncertain significance (2). Last evaluated 2025-10-16.

Allele frequency attached by ClinVar (database versions not stated): gnomAD 0.00001; gnomAD exomes 0.00001 and 0.00003; TOPMed 0.00003; ExAC 0.00009.

Submissions (2):

Labcorp Genetics (formerly Invitae), Labcorp
Classification: Uncertain significance. Last evaluated: 2025-10-16. Review status: criteria provided, single submitter. Criteria: Invitae Variant Classification Sherloc (09022015). Collection method: clinical testing. Allele origin: germline.
Comment: This sequence change replaces alanine, which is neutral and non-polar, with valine, which is neutral and non-polar, at codon 141 of the FSCN2 protein (p.Ala141Val). This variant is present in population databases (rs781928396, gnomAD 0.02%). This variant has not been reported in the literature in individuals affected with FSCN2-related conditions. ClinVar contains an entry for this variant (Variation ID: 961719). An algorithm developed to predict the effect of missense changes on protein structure and function (PolyPhen-2) suggests that this variant is likely to be disruptive. In summary, the available evidence is currently insufficient to determine the role of this variant in disease. Therefore, it has been classified as a Variant of Uncertain Significance.

Ambry Genetics
Classification: Uncertain significance. Last evaluated: 2025-06-22. Review status: criteria provided, single submitter. Criteria: Ambry Variant Classification Scheme 2023. Collection method: clinical testing. Allele origin: germline.

NM_012418.4(FSCN2):c.422C>T (p.Ala141Val)

Gene: FSCN2 (fascin actin-bundling protein 2, retinal; plus strand). Cytogenetic location: 17q25.3.
Variant type: single nucleotide variant.
Coding change: c.422C>T on transcript NM_012418.4 (MANE Select); coding-DNA position 422, C replaced by T.
Protein change: p.Ala141Val; replaces alanine 141 with valine.
Molecular consequence: missense variant.
Genome position (GRCh38, 1-based): chr17:81,528,953, C>T. VCF-style: chr17-81528953-C-T. GRCh37 (hg19) VCF-style: chr17-79495979-C-T.
Other names: c.422C>T, p.Ala141Val (NM_001077182.3); short protein forms A141V.
Identifiers: ClinVar variation 961719 (VCV000961719.8), dbSNP rs781928396, ClinGen allele CA8836672.
Genomic context (GRCh38, chr17:81,528,953, plus strand): 5'-TCGCCACAGCCGTTTCCCCGGCCGAGCTGTGGACCGTGCACCTGGCCATCCACCCGCAGG[C>T]CCACCTGCTGAGCGTGAGCCGGCGGCGCTACGTGCACCTGTGCCCGCGGGAGGACGAGAT-3'
Protein context (NP_036550.1, residues 131-151): WTVHLAIHPQ[Ala141Val]HLLSVSRRRY